The following is an entry in ClinVar:

ClinVar aggregate classification (germline): Uncertain significance (1 of 4 stars; one submission).

Conditions:
Duchenne muscular dystrophy (DMD). Also called: Duchenne Muscular Dystrophy (DMD); MUSCULAR DYSTROPHY, PSEUDOHYPERTROPHIC PROGRESSIVE, DUCHENNE TYPE. Identifiers: Orphanet 98896, MedGen C0013264, MONDO:0010679, OMIM 310200.

Submission:

Labcorp Genetics (formerly Invitae), Labcorp
Classification: Uncertain significance for Duchenne muscular dystrophy. Last evaluated: 2025-09-29. Review status: criteria provided, single submitter. Criteria: Invitae Variant Classification Sherloc (09022015). Collection method: clinical testing. Allele origin: germline.
Comment: This sequence change replaces arginine, which is basic and polar, with isoleucine, which is neutral and non-polar, at codon 1869 of the DMD protein (p.Arg1869Ile). This variant is not present in population databases (gnomAD no frequency). This variant has not been reported in the literature in individuals affected with DMD-related conditions. Invitae Evidence Modeling of protein sequence and biophysical properties (such as structural, functional, and spatial information, amino acid conservation, physicochemical variation, residue mobility, and thermodynamic stability) indicates that this missense variant is not expected to disrupt DMD protein function with a negative predictive value of 95%. In summary, the available evidence is currently insufficient to determine the role of this variant in disease. Therefore, it has been classified as a Variant of Uncertain Significance.

NM_004006.3(DMD):c.5606G>T (p.Arg1869Ile)

Gene: DMD (dystrophin; minus strand). Cytogenetic location: Xp21.1.
Variant type: single nucleotide variant.
Coding change: c.5606G>T on transcript NM_004006.3 (MANE Select); coding-DNA position 5606, G replaced by T.
Protein change: p.Arg1869Ile; replaces arginine 1869 with isoleucine.
Molecular consequence: missense variant.
Genome position (GRCh38, 1-based): chrX:32,343,267, C>A on the plus strand (G>T on the coding strand, the complement: DMD is on the minus strand). VCF-style: chrX-32343267-C-A. GRCh37 (hg19) VCF-style: chrX-32361384-C-A.
Other names: c.5582G>T, p.Arg1861Ile (NM_000109.4); c.5594G>T, p.Arg1865Ile (NM_004009.3); c.5237G>T, p.Arg1746Ile (NM_004010.3); c.1583G>T, p.Arg528Ile (NM_004011.4); c.1574G>T, p.Arg525Ile (NM_004012.4); short protein forms R1746I, R1861I, R1865I, R1869I, R525I, R528I.
Identifiers: ClinVar variation 4800959 (VCV004800959.1).